The following is an entry in ClinVar:

ClinVar aggregate classification (germline): Uncertain significance. Review status: criteria provided, multiple submitters, no conflicts (2 of 4 stars). 2 submissions from 2 submitters: Uncertain significance (2). Last evaluated 2025-12-03.

Allele frequency attached by ClinVar (database versions not stated): gnomAD exomes below 0.00001; TOPMed 0.00002; gnomAD 0.00002.
gnomAD v4.1: 5 of 1,613,150 alleles (0.00031%); highest among the groups gnomAD compares: Admixed American, 0.0067%; no homozygotes.

Submissions (2):

Labcorp Genetics (formerly Invitae), Labcorp
Classification: Uncertain significance. Last evaluated: 2025-12-03. Review status: criteria provided, single submitter. Criteria: Invitae Variant Classification Sherloc (09022015). Collection method: clinical testing. Allele origin: germline.
Comment: This sequence change replaces glutamic acid, which is acidic and polar, with aspartic acid, which is acidic and polar, at codon 1720 of the HMCN1 protein (p.Glu1720Asp). This variant is not present in population databases (gnomAD no frequency). This variant has not been reported in the literature in individuals affected with HMCN1-related conditions. ClinVar contains an entry for this variant (Variation ID: 3106237). An algorithm developed to predict the effect of missense changes on protein structure and function (PolyPhen-2) suggests that this variant is likely to be disruptive. In summary, the available evidence is currently insufficient to determine the role of this variant in disease. Therefore, it has been classified as a Variant of Uncertain Significance.

Ambry Genetics
Classification: Uncertain significance. Last evaluated: 2023-12-28. Review status: criteria provided, single submitter. Criteria: Ambry Variant Classification Scheme 2023. Collection method: clinical testing. Allele origin: germline.

NM_031935.3(HMCN1):c.5160A>C (p.Glu1720Asp)

Gene: HMCN1 (hemicentin 1; plus strand). Cytogenetic location: 1q31.1.
Variant type: single nucleotide variant.
Coding change: c.5160A>C on transcript NM_031935.3 (MANE Select); coding-DNA position 5160, A replaced by C.
Protein change: p.Glu1720Asp; replaces glutamic acid 1720 with aspartic acid.
Molecular consequence: missense variant.
Genome position (GRCh38, 1-based): chr1:186,016,208, A>C. VCF-style: chr1-186016208-A-C. GRCh37 (hg19) VCF-style: chr1-185985340-A-C.
Other names: short protein forms E1720D.
Identifiers: ClinVar variation 3106237 (VCV003106237.3), dbSNP rs914773846, ClinGen allele CA33454326.